The following is an entry in ClinVar:

ClinVar aggregate classification (germline): Likely pathogenic (1 of 4 stars; one submission).

Conditions:
Charcot-Marie-Tooth disease type 2. Also called: Charcot-Marie-Tooth type 2. Identifiers: Orphanet 64746, MedGen C0270914, MONDO:0018993.

Submission:

Labcorp Genetics (formerly Invitae), Labcorp
Classification: Likely pathogenic for Charcot-Marie-Tooth disease type 2. Last evaluated: 2019-03-15. Review status: criteria provided, single submitter. Criteria: Invitae Variant Classification Sherloc (09022015). Collection method: clinical testing. Allele origin: unknown.
Comment: In summary, the currently available evidence indicates that the variant is pathogenic, but additional data are needed to prove that conclusively. Therefore, this variant has been classified as Likely Pathogenic. This deletion disrupts the p.Leu647 amino acid residue in LMNA. Other variant(s) that disrupt this residue have been determined to be pathogenic (PMID: 16186497, 22355414, 27034136). This suggests that this residue is clinically-significant, and that variants that disrupt this residue are likely to be disease-causing. This variant has not been reported in the literature in individuals with LMNA-related conditions. This variant is a deletion of the genomic region encompassing part of exon 11 and all of exon 12 (c.1929_*53del) of the LMNA gene. While this is not anticipated to result in nonsense mediated decay, it likely alters RNA splicing and results in a disrupted protein product.

Literature cited by the submitters: PubMed 16186497; PubMed 22355414; PubMed 27034136.

NC_000001.10:g.(?_156108509)_(156108950_?)del

Gene: LMNA (lamin A/C; plus strand). Cytogenetic location: 1q22.
Variant type: Deletion.
Identifiers: ClinVar variation 3247863 (VCV003247863.1).